The following is an entry in ClinVar:

ClinVar aggregate classification (germline): Uncertain significance. Review status: criteria provided, multiple submitters, no conflicts (2 of 4 stars). 3 submissions from 3 submitters: Uncertain significance (3). Last evaluated 2023-08-28.

Conditions:
Hereditary nonpolyposis colorectal neoplasms. Identifiers: MedGen C0009405, MeSH D003123.
Hereditary cancer-predisposing syndrome. Also called: Neoplastic Syndromes, Hereditary; Tumor predisposition; Hereditary Cancer Syndrome; Hereditary neoplastic syndrome. Identifiers: Orphanet 140162, MedGen C0027672, MeSH D009386, MONDO:0015356.
Lynch syndrome 4 (LYNCH4). Also called: Colorectal cancer, hereditary nonpolyposis, type 4; Hereditary non-polyposis colorectal cancer, type 4. Identifiers: Orphanet 144, MedGen C1838333, MONDO:0013699, OMIM 614337. Disease mechanism: loss of function.

Submissions (3):

Baylor Genetics
Classification: Uncertain significance for Lynch syndrome 4. Last evaluated: 2023-08-28. Review status: criteria provided, single submitter. Criteria: ACMG Guidelines, 2015. Collection method: clinical testing. Allele origin: unknown.

Labcorp Genetics (formerly Invitae), Labcorp
Classification: Uncertain significance for Hereditary nonpolyposis colorectal neoplasms. Last evaluated: 2020-12-24. Review status: criteria provided, single submitter. Criteria: Invitae Variant Classification Sherloc (09022015). Collection method: clinical testing. Allele origin: germline.
Comment: In summary, the available evidence is currently insufficient to determine the role of this variant in disease. Therefore, it has been classified as a Variant of Uncertain Significance. Advanced modeling of protein sequence and biophysical properties (such as structural, functional, and spatial information, amino acid conservation, physicochemical variation, residue mobility, and thermodynamic stability) performed at Invitae indicates that this missense variant is not expected to disrupt PMS2 protein function. This variant has not been reported in the literature in individuals with PMS2-related conditions. ClinVar contains an entry for this variant (Variation ID: 484312). This variant is not present in population databases (ExAC no frequency). This sequence change replaces proline with leucine at codon 241 of the PMS2 protein (p.Pro241Leu). The proline residue is moderately conserved and there is a moderate physicochemical difference between proline and leucine.

Ambry Genetics
Classification: Uncertain significance for Hereditary cancer-predisposing syndrome. Last evaluated: 2020-10-26. Review status: criteria provided, single submitter. Criteria: Ambry Variant Classification Scheme 2023. Collection method: clinical testing. Allele origin: germline.
Comment: The p.P241L variant (also known as c.722C>T), located in coding exon 7 of the PMS2 gene, results from a C to T substitution at nucleotide position 722. The proline at codon 241 is replaced by leucine, an amino acid with similar properties. This amino acid position is highly conserved in available vertebrate species. In addition, the in silico prediction for this alteration is inconclusive. Since supporting evidence is limited at this time, the clinical significance of this alteration remains unclear.

NM_000535.7(PMS2):c.722C>T (p.Pro241Leu)

Gene: PMS2 (PMS1 homolog 2, mismatch repair system component; minus strand). Cytogenetic location: 7p22.1.
Variant type: single nucleotide variant.
Coding change: c.722C>T on transcript NM_000535.7 (MANE Select); coding-DNA position 722, C replaced by T.
Protein change: p.Pro241Leu; replaces proline 241 with leucine.
Molecular consequence: missense variant. On other transcripts: 5 prime UTR variant (2), non-coding transcript variant (1).
Genome position (GRCh38, 1-based): chr7:5,997,407, G>A on the plus strand (C>T on the coding strand, the complement: PMS2 is on the minus strand). VCF-style: chr7-5997407-G-A. GRCh37 (hg19) VCF-style: chr7-6037038-G-A.
Other names: c.317C>T, p.Pro106Leu (NM_001322003.2, NM_001322004.2, NM_001322005.2 and 2 more transcripts); c.722C>T, p.Pro241Leu (NM_001322006.2, NM_001322014.2); c.404C>T, p.Pro135Leu (NM_001322007.2, NM_001322008.2); c.-212C>T (NM_001322011.2, NM_001322012.2); c.149C>T, p.Pro50Leu (NM_001322013.2); c.413C>T, p.Pro138Leu (NM_001322015.2); short protein forms P241L, P106L, P50L, P138L, P135L.
Identifiers: ClinVar variation 484312 (VCV000484312.14), dbSNP rs1554301523, ClinGen allele CA366743766.